The following is an entry in ClinVar:

NM_004370.6(COL12A1):c.1091A>G (p.Tyr364Cys)

Gene: COL12A1 (collagen type XII alpha 1 chain; minus strand). Cytogenetic location: 6q13.
Variant type: single nucleotide variant.
Coding change: c.1091A>G on transcript NM_004370.6 (MANE Select); coding-DNA position 1091, A replaced by G.
Protein change: p.Tyr364Cys; replaces tyrosine 364 with cysteine.
Molecular consequence: missense variant. On other transcripts: intron variant (2).
Genome position (GRCh38, 1-based): chr6:75,184,051, T>C on the plus strand (A>G on the coding strand, the complement: COL12A1 is on the minus strand). VCF-style: chr6-75184051-T-C. GRCh37 (hg19) VCF-style: chr6-75893767-T-C.
Other names: c.1091A>G, p.Tyr364Cys (NM_001424113.1, NM_001424114.1, NM_001424115.1); c.73+18669A>G (NM_001424116.1, NM_080645.3); short protein forms Y364C.
Identifiers: ClinVar variation 4783103 (VCV004783103.1).

ClinVar aggregate classification (germline): Uncertain significance (1 of 4 stars; one submission).

Conditions:
Ullrich congenital muscular dystrophy 2 (UCMD2). Identifiers: Orphanet 75840, MedGen C4225314, MONDO:0014654, OMIM 616470.
Bethlem myopathy 2 (BTHLM2). Identifiers: Orphanet 536516, Orphanet 610, MedGen C4225313, MONDO:0034022, OMIM 616471.

gnomAD v4.1: 1 of 1,614,192 alleles (0.000062%); highest among the groups gnomAD compares: East Asian, 0.0022%; no homozygotes.

Submission:

Labcorp Genetics (formerly Invitae), Labcorp
Classification: Uncertain significance for Bethlem myopathy 2; Ullrich congenital muscular dystrophy 2. Last evaluated: 2025-07-06. Review status: criteria provided, single submitter. Criteria: Invitae Variant Classification Sherloc (09022015). Collection method: clinical testing. Allele origin: germline.
Comment: This sequence change replaces tyrosine, which is neutral and polar, with cysteine, which is neutral and slightly polar, at codon 364 of the COL12A1 protein (p.Tyr364Cys). This variant is not present in population databases (gnomAD no frequency). This variant has not been reported in the literature in individuals affected with COL12A1-related conditions. Invitae Evidence Modeling of protein sequence and biophysical properties (such as structural, functional, and spatial information, amino acid conservation, physicochemical variation, residue mobility, and thermodynamic stability) has been performed for this missense variant. However, the output from this modeling did not meet the statistical confidence thresholds required to predict the impact of this variant on COL12A1 protein function. In summary, the available evidence is currently insufficient to determine the role of this variant in disease. Therefore, it has been classified as a Variant of Uncertain Significance.